The following is an entry in ClinVar:

NM_001243177.4(ALDOA):c.290G>C (p.Arg97Pro)

Genes: ALDOA (aldolase, fructose-bisphosphate A; plus strand), LOC112694756 (uncharaterized LOC112694756; plus strand). Cytogenetic location: 16p11.2.
Variant type: single nucleotide variant.
Coding change: c.290G>C on transcript NM_001243177.4 (MANE Select); coding-DNA position 290, G replaced by C.
Protein change: p.Arg97Pro; replaces arginine 97 with proline.
Molecular consequence: missense variant. On other transcripts: 3 prime UTR variant (3).
Genome position (GRCh38, 1-based): chr16:30,067,465, G>C. VCF-style: chr16-30067465-G-C. GRCh37 (hg19) VCF-style: chr16-30078786-G-C.
Other names: NM_000034.3:c.128G>C; c.*637G>C (NM_001365304.2, NM_001365305.2, NM_001365307.2); c.128G>C, p.Arg43Pro (NM_001127617.2, NM_184041.5, NM_184043.2); short protein forms R97P, R43P.
Identifiers: ClinVar variation 1943128 (VCV001943128.7), dbSNP rs549146709, ClinGen allele CA395485626.

ClinVar aggregate classification (germline): Uncertain significance. Review status: criteria provided, multiple submitters, no conflicts (2 of 4 stars). 3 submissions from 3 submitters: Uncertain significance (3). Last evaluated 2025-10-09.

Conditions:
Inborn genetic diseases. Identifiers: MedGen C0950123, MeSH D030342.
HNSHA due to aldolase A deficiency (GSD12). Also called: GLYCOGEN STORAGE DISEASE XII; GSD XII; RED CELL ALDOLASE DEFICIENCY; Glycogen storage disease due to aldolase A deficiency. Identifiers: Orphanet 57, MedGen C0272066, MONDO:0012747, OMIM 611881.

gnomAD v4.1: 5 of 1,613,132 alleles (0.00031%); highest among the groups gnomAD compares: Admixed American, 0.005%; no homozygotes.

Submissions (3):

Dasa
Classification: Uncertain significance. Last evaluated: 2025-10-09. Review status: criteria provided, single submitter. Criteria: DASA Assertion Criteria. Collection method: clinical testing. Allele origin: germline.
Comment: NM_001243177.4(ALDOA):c.290G>C (p.Arg97Pro) is a missense variant that results in the substitution of arginine with proline. This variant is rare in population databases. Computational prediction algorithms are consistent with a deleterious effect. The currently available literature and clinical evidence are not sufficient to establish a definitive association between this variant and the reported condition. Therefore, this variant is classified as a variant of uncertain significance.

Ambry Genetics
Classification: Uncertain significance for Inborn genetic diseases. Last evaluated: 2025-06-10. Review status: criteria provided, single submitter. Criteria: Ambry Variant Classification Scheme 2023. Collection method: clinical testing. Allele origin: germline.

Labcorp Genetics (formerly Invitae), Labcorp
Classification: Uncertain significance for HNSHA due to aldolase A deficiency. Last evaluated: 2022-03-04. Review status: criteria provided, single submitter. Criteria: Invitae Variant Classification Sherloc (09022015). Collection method: clinical testing. Allele origin: germline.
Comment: This variant has not been reported in the literature in individuals affected with ALDOA-related conditions. Algorithms developed to predict the effect of missense changes on protein structure and function are either unavailable or do not agree on the potential impact of this missense change (SIFT: "Deleterious"; PolyPhen-2: "Probably Damaging"; Align-GVGD: "Class C0"). In summary, the available evidence is currently insufficient to determine the role of this variant in disease. Therefore, it has been classified as a Variant of Uncertain Significance. This variant is present in population databases (no rsID available, gnomAD 0.003%). This sequence change replaces arginine, which is basic and polar, with proline, which is neutral and non-polar, at codon 43 of the ALDOA protein (p.Arg43Pro).